The following is an entry in ClinVar:

NM_004370.6(COL12A1):c.3091C>A (p.Arg1031Ser)

Gene: COL12A1 (collagen type XII alpha 1 chain; minus strand). Cytogenetic location: 6q13.
Variant type: single nucleotide variant.
Coding change: c.3091C>A on transcript NM_004370.6 (MANE Select); coding-DNA position 3091, C replaced by A.
Protein change: p.Arg1031Ser; replaces arginine 1031 with serine.
Molecular consequence: missense variant. On other transcripts: intron variant (1).
Genome position (GRCh38, 1-based): chr6:75,156,416, G>T on the plus strand (C>A on the coding strand, the complement: COL12A1 is on the minus strand). VCF-style: chr6-75156416-G-T. GRCh37 (hg19) VCF-style: chr6-75866132-G-T.
Other names: c.74-3934C>A (NM_080645.3); short protein forms R1031S.
Identifiers: ClinVar variation 1406014 (VCV001406014.9), dbSNP rs575168916, ClinGen allele CA364754234.
Genomic context (GRCh38, chr6:75,156,416, plus strand): 5'-CTGTCGAAGTGACTGTGGGGGGCACCTTAGCAACCATTTGCTTCCCTCTCCCATGAGGGC[G>T]ATAGACAACACGGTAGTTGACGACTTTCCCTGGTGCTGGTTTCCATGTAACTCTCATTGT-3'
Protein context (NP_004361.3, residues 1021-1041): GKVVNYRVVY[Arg1031Ser]PHGRGKQMVA

ClinVar aggregate classification (germline): Uncertain significance. Review status: criteria provided, multiple submitters, no conflicts (2 of 4 stars). 2 submissions from 2 submitters: Uncertain significance (2). Last evaluated 2023-10-20.

Conditions:
Bethlem myopathy 2 (BTHLM2). Identifiers: Orphanet 536516, Orphanet 610, MedGen C4225313, MONDO:0034022, OMIM 616471.
Ullrich congenital muscular dystrophy 2 (UCMD2). Identifiers: Orphanet 75840, MedGen C4225314, MONDO:0014654, OMIM 616470.

gnomAD v4.1: 3 of 1,613,960 alleles (0.00019%); highest among the groups gnomAD compares: Non-Finnish European, 0.00025%; no homozygotes.

Submissions (2):

Labcorp Genetics (formerly Invitae), Labcorp
Classification: Uncertain significance for Bethlem myopathy 2; Ullrich congenital muscular dystrophy 2. Last evaluated: 2023-10-20. Review status: criteria provided, single submitter. Criteria: Invitae Variant Classification Sherloc (09022015). Collection method: clinical testing. Allele origin: germline.
Comment: This sequence change replaces arginine, which is basic and polar, with serine, which is neutral and polar, at codon 1031 of the COL12A1 protein (p.Arg1031Ser). This variant is not present in population databases (gnomAD no frequency). This variant has not been reported in the literature in individuals affected with COL12A1-related conditions. ClinVar contains an entry for this variant (Variation ID: 1406014). Advanced modeling of protein sequence and biophysical properties (such as structural, functional, and spatial information, amino acid conservation, physicochemical variation, residue mobility, and thermodynamic stability) performed at Invitae indicates that this missense variant is not expected to disrupt COL12A1 protein function. In summary, the available evidence is currently insufficient to determine the role of this variant in disease. Therefore, it has been classified as a Variant of Uncertain Significance.

Fulgent Genetics
Classification: Uncertain significance for Ullrich congenital muscular dystrophy 2; Bethlem myopathy 2. Last evaluated: 2022-01-28. Review status: criteria provided, single submitter. Criteria: ACMG Guidelines, 2015. Collection method: clinical testing. Allele origin: unknown.